The following is an entry in ClinVar:

ClinVar aggregate classification (germline): Likely benign (1 of 4 stars; one submission).

Conditions:
Polycystic kidney disease 2 (PKD2). Also called: Polycystic Kidney Disease 2, Autosomal Dominant; POLYCYSTIC KIDNEY DISEASE, ADULT, TYPE II; POLYCYSTIC KIDNEY DISEASE 2 WITH OR WITHOUT POLYCYSTIC LIVER DISEASE. Identifiers: MedGen C2751306, MONDO:0013131, OMIM 613095.

Allele frequency attached by ClinVar (database versions not stated): gnomAD 0.00037 and 0.00065; TOPMed 0.00052; gnomAD exomes 0.00058; 1000 Genomes Project 30x 0.00359; 1000 Genomes Project 0.00399.

Submission:

Illumina Laboratory Services, Illumina
Classification: Likely benign for Polycystic kidney disease 2. Last evaluated: 2018-01-12. Review status: criteria provided, single submitter. Criteria: ICSL Variant Classification Criteria 13 December 2019. Collection method: clinical testing. Allele origin: germline.
Comment: This variant was observed in the ICSL laboratory as part of a predisposition screen in an ostensibly healthy population. It had not been previously curated by ICSL or reported in the Human Gene Mutation Database (HGMD: prior to June 1st, 2018), and was therefore a candidate for classification through an automated scoring system. Utilizing variant allele frequency, disease prevalence and penetrance estimates, and inheritance mode, an automated score was calculated to assess if this variant is too frequent to cause the disease. Based on the score and internal cut-off values, a variant classified as likely benign is not then subjected to further curation. The score for this variant resulted in a classification of likely benign for this disease.

NM_000297.4(PKD2):c.*604G>A

Gene: PKD2 (polycystin 2, transient receptor potential cation channel; plus strand). Cytogenetic location: 4q22.1.
Variant type: single nucleotide variant.
Coding change: c.*604G>A on transcript NM_000297.4 (MANE Select); 604 bases downstream of the stop codon, G replaced by A.
Molecular consequence: 3 prime UTR variant. On other transcripts: non-coding transcript variant (1).
Genome position (GRCh38, 1-based): chr4:88,076,298, G>A. VCF-style: chr4-88076298-G-A. GRCh37 (hg19) VCF-style: chr4-88997450-G-A.
Identifiers: ClinVar variation 350041 (VCV000350041.5), dbSNP rs377022187, ClinGen allele CA10618578.